The following is an entry in ClinVar:

ClinVar aggregate classification (germline): Conflicting classifications of pathogenicity. Review status: criteria provided, conflicting classifications (1 of 4 stars). 2 submissions from 2 submitters: Uncertain significance (1); Likely benign (1). Last evaluated 2025-10-01.

Conditions:
Inborn genetic diseases. Identifiers: MedGen C0950123, MeSH D030342.
Baller-Gerold syndrome (BGS). Also called: CRANIOSYNOSTOSIS WITH RADIAL DEFECTS. Identifiers: Orphanet 1225, MedGen C0265308, MONDO:0009039, OMIM 218600.

Allele frequency attached by ClinVar (database versions not stated): gnomAD 0.00001; gnomAD exomes 0.00001; TOPMed 0.00001.
gnomAD v4.1: 18 of 1,564,600 alleles (0.0012%); highest among the groups gnomAD compares: Admixed American, 0.0019%; no homozygotes.

Submissions (2):

Labcorp Genetics (formerly Invitae), Labcorp
Classification: Uncertain significance for Baller-Gerold syndrome. Last evaluated: 2025-10-01. Review status: criteria provided, single submitter. Criteria: Invitae Variant Classification Sherloc (09022015). Collection method: clinical testing. Allele origin: germline.
Comment: This sequence change replaces valine, which is neutral and non-polar, with isoleucine, which is neutral and non-polar, at codon 670 of the RECQL4 protein (p.Val670Ile). The frequency data for this variant in the population databases is considered unreliable, as metrics indicate poor data quality at this position in the gnomAD database. This variant has not been reported in the literature in individuals affected with RECQL4-related conditions. ClinVar contains an entry for this variant (Variation ID: 459364). Invitae Evidence Modeling of protein sequence and biophysical properties (such as structural, functional, and spatial information, amino acid conservation, physicochemical variation, residue mobility, and thermodynamic stability) indicates that this missense variant is not expected to disrupt RECQL4 protein function with a negative predictive value of 80%. In summary, the available evidence is currently insufficient to determine the role of this variant in disease. Therefore, it has been classified as a Variant of Uncertain Significance.

Ambry Genetics
Classification: Likely benign for Inborn genetic diseases. Last evaluated: 2025-01-17. Review status: criteria provided, single submitter. Criteria: Ambry Variant Classification Scheme 2023. Collection method: clinical testing. Allele origin: germline.

NM_004260.4(RECQL4):c.2008G>A (p.Val670Ile)

Gene: RECQL4 (RecQ like helicase 4; minus strand). Cytogenetic location: 8q24.3.
Variant type: single nucleotide variant.
Coding change: c.2008G>A on transcript NM_004260.4 (MANE Select); coding-DNA position 2008, G replaced by A.
Protein change: p.Val670Ile; replaces valine 670 with isoleucine.
Molecular consequence: missense variant.
Genome position (GRCh38, 1-based): chr8:144,513,978, C>T on the plus strand (G>A on the coding strand, the complement: RECQL4 is on the minus strand). VCF-style: chr8-144513978-C-T. GRCh37 (hg19) VCF-style: chr8-145739362-C-T.
Other names: short protein forms V670I.
Identifiers: ClinVar variation 459364 (VCV000459364.7), dbSNP rs1484366007, ClinGen allele CA372680320.